The following is an entry in ClinVar:

ClinVar aggregate classification (germline): Uncertain significance (1 of 4 stars; one submission).

gnomAD v4.1: 1 of 1,613,926 alleles (0.000062%); highest among the groups gnomAD compares: African/African-American, 0.0013%; no homozygotes.

Submission:

GeneDx
Classification: Uncertain significance. Last evaluated: 2024-02-22. Review status: criteria provided, single submitter. Criteria: GeneDx Variant Classification Process June 2021. Collection method: clinical testing. Allele origin: germline. Affected: yes.
Comment: Not observed at significant frequency in large population cohorts (gnomAD); In silico analysis supports that this missense variant has a deleterious effect on protein structure/function; Has not been previously published as pathogenic or benign to our knowledge

NM_000184.3(HBG2):c.422C>A (p.Ala141Asp)

Gene: HBG2 (hemoglobin subunit gamma 2; minus strand). Cytogenetic location: 11p15.4.
Variant type: single nucleotide variant.
Coding change: c.422C>A on transcript NM_000184.3 (MANE Select); coding-DNA position 422, C replaced by A.
Protein change: p.Ala141Asp; replaces alanine 141 with aspartic acid.
Molecular consequence: missense variant.
Genome position (GRCh38, 1-based): chr11:5,253,299, G>T on the plus strand (C>A on the coding strand, the complement: HBG2 is on the minus strand). VCF-style: chr11-5253299-G-T. GRCh37 (hg19) VCF-style: chr11-5274529-G-T.
Other names: short protein forms A141D.
Identifiers: ClinVar variation 3369592 (VCV003369592.1).
Genomic context (GRCh38, chr11:5,253,299, plus strand): 5'-AGCCTATCCTTGAAAGCTCTGCATCATGGGCAGTGAGCTCAGTGGTATCTGGAGGACAGG[G>T]CACTGGCCACTCCAGTCACCATCTTCTGCCAGGAAGCCTGCACCTCAGGGGTGAATTCTT-3'
Protein context (NP_000175.1, residues 131-147): WQKMVTGVAS[Ala141Asp]LSSRYH